The following is an entry in ClinVar:

ClinVar aggregate classification (germline): Likely benign (0 of 4 stars; one submission).

Conditions:
FLT4-related disorder. Also called: FLT4-related condition.

Allele frequency attached by ClinVar (database versions not stated): gnomAD exomes 0.00003; ESP Exome Variant Server 0.00008; ExAC 0.00014; 1000 Genomes Project 30x 0.00016; 1000 Genomes Project 0.00020; TOPMed 0.00032; gnomAD 0.00037.
gnomAD v4.1: 101 of 1,612,810 alleles (0.0063%); highest among the groups gnomAD compares: African/African-American, 0.12%; 1 homozygote.

Submission:

PreventionGenetics, part of Exact Sciences
Classification: Likely benign for FLT4-related condition. Last evaluated: 2023-12-04. Review status: no assertion criteria provided. Collection method: clinical testing. Allele origin: germline.
Comment: This variant is classified as likely benign based on ACMG/AMP sequence variant interpretation guidelines (Richards et al. 2015 PMID: 25741868, with internal and published modifications).

NM_182925.5(FLT4):c.1032G>A (p.Glu344=)

Gene: FLT4 (fms related receptor tyrosine kinase 4; minus strand). Cytogenetic location: 5q35.3.
Variant type: single nucleotide variant.
Coding change: c.1032G>A on transcript NM_182925.5 (MANE Select); coding-DNA position 1032, G replaced by A.
Protein change: p.Glu344=; no amino-acid change (glutamic acid 344 retained).
Molecular consequence: synonymous variant.
Genome position (GRCh38, 1-based): chr5:180,628,953, C>T on the plus strand (G>A on the coding strand, the complement: FLT4 is on the minus strand). VCF-style: chr5-180628953-C-T. GRCh37 (hg19) VCF-style: chr5-180055953-C-T.
Other names: c.1032G>A, p.Glu344= (NM_001354989.2, NM_002020.5).
Identifiers: ClinVar variation 3032061 (VCV003032061.2), dbSNP rs368333293, ClinGen allele CA3606915.